The following is an entry in ClinVar:

ClinVar aggregate classification (germline): Likely benign (1 of 4 stars; one submission).

Submission:

CeGaT Center for Human Genetics Tuebingen
Classification: Likely benign. Last evaluated: 2024-01-01. Review status: criteria provided, single submitter. Criteria: CeGaT Center For Human Genetics Tuebingen Variant Classification Criteria Version 2. Collection method: clinical testing. Allele origin: germline. Affected: yes. Observed: 1 variant allele.
Comment: POM121L7P: BP4, BP7

NC_000022.11:g.21126503G>A

Variant type: single nucleotide variant.
Genome position: GRCh38 VCF-style: chr22-21126503-G-A. GRCh37 (hg19) VCF-style: chr22-21480792-G-A.
Identifiers: ClinVar variation 3025597 (VCV003025597.22), dbSNP rs1405521215, ClinGen allele CA513714963.